The following is an entry in ClinVar:

NM_001384474.1(LOXHD1):c.591dup (p.Gly198fs)

Gene: LOXHD1 (lipoxygenase homology PLAT domains 1; minus strand). Cytogenetic location: 18q21.1.
Variant type: Duplication.
Coding change: c.591dup on transcript NM_001384474.1 (MANE Select); coding-DNA position 591, one base duplicated (T; older notation c.591dupT).
Protein change: p.Gly198fs; shifts the reading frame from glycine 198.
Molecular consequence: frameshift variant.
Genome position (GRCh38, 1-based): chr18:46,618,211, A duplicated on the plus strand (T on the coding strand, the reverse complement: LOXHD1 is on the minus strand); the first of 5 consecutive A bases (chr18:46,618,211-46,618,215); duplicating any one gives the same sequence. VCF-style (leftmost placement, unchanged base first): chr18-46618210-C-CA. GRCh37 (hg19) VCF-style: chr18-44198173-C-CA.
Other names: c.591dup, p.Gly198fs (NM_144612.7); short protein forms G198fs.
Identifiers: ClinVar variation 4731970 (VCV004731970.1).

ClinVar aggregate classification (germline): Pathogenic (1 of 4 stars; one submission).

Submission:

Labcorp Genetics (formerly Invitae), Labcorp
Classification: Pathogenic. Last evaluated: 2025-11-25. Review status: criteria provided, single submitter. Criteria: Invitae Variant Classification Sherloc (09022015). Collection method: clinical testing. Allele origin: germline.
Comment: This sequence change creates a premature translational stop signal (p.Gly198Trpfs*10) in the LOXHD1 gene. It is expected to result in an absent or disrupted protein product. Loss-of-function variants in LOXHD1 are known to be pathogenic (PMID: 19732867, 21465660, 25792669). This variant is not present in population databases (gnomAD no frequency). This variant has not been reported in the literature in individuals affected with LOXHD1-related conditions. For these reasons, this variant has been classified as Pathogenic.

Literature cited by the submitters: PubMed 19732867; PubMed 21465660; PubMed 25792669.